The following is an entry in ClinVar:

ClinVar aggregate classification (germline): Uncertain significance (1 of 4 stars; one submission).

Submission:

Ambry Genetics
Classification: Uncertain significance. Last evaluated: 2022-05-02. Review status: criteria provided, single submitter. Criteria: Ambry Variant Classification Scheme 2023. Collection method: clinical testing. Allele origin: germline.
Comment: The p.R989P variant (also known as c.2966G>C), located in coding exon 16 of the PALLD gene, results from a G to C substitution at nucleotide position 2966. The arginine at codon 989 is replaced by proline, an amino acid with dissimilar properties. This amino acid position is conserved. In addition, this alteration is predicted to be deleterious by in silico analysis. Since supporting evidence is limited at this time, the clinical significance of this alteration remains unclear.

NM_001166108.2(PALLD):c.3017G>C (p.Arg1006Pro)

Genes: CBR4 (carbonyl reductase 4; minus strand), PALLD (palladin, cytoskeletal associated protein; plus strand). Cytogenetic location: 4q32.3.
Variant type: single nucleotide variant.
Coding change: c.3017G>C on transcript NM_001166108.2 (MANE Select); coding-DNA position 3017, G replaced by C.
Protein change: p.Arg1006Pro; replaces arginine 1006 with proline.
Molecular consequence: missense variant.
Genome position (GRCh38, 1-based): chr4:168,921,700, G>C. VCF-style: chr4-168921700-G-C. GRCh37 (hg19) VCF-style: chr4-169842851-G-C.
Other names: c.1820G>C, p.Arg607Pro (NM_001166109.2); c.1505G>C, p.Arg502Pro (NM_001166110.2); c.845G>C, p.Arg282Pro (NM_001367567.1, NM_001367569.1); c.896G>C, p.Arg299Pro (NM_001367568.1, NM_001367570.1); c.2966G>C, p.Arg989Pro (NM_016081.4); short protein forms R282P, R1006P, R299P, R502P, R607P, R989P.
Identifiers: ClinVar variation 1798222 (VCV001798222.2), dbSNP rs777057820, ClinGen allele CA358709586.